The following is an entry in ClinVar:

NM_015488.5(PNKD):c.599G>C (p.Gly200Ala)

Genes: CATIP-AS2 (CATIP antisense RNA 2; minus strand), PNKD (PNKD metallo-beta-lactamase domain containing; plus strand). Cytogenetic location: 2q35.
Variant type: single nucleotide variant.
Coding change: c.599G>C on transcript NM_015488.5 (MANE Select); coding-DNA position 599, G replaced by C.
Protein change: p.Gly200Ala; replaces glycine 200 with alanine.
Molecular consequence: missense variant.
Genome position (GRCh38, 1-based): chr2:218,341,608, G>C. VCF-style: chr2-218341608-G-C. GRCh37 (hg19) VCF-style: chr2-219206331-G-C.
Other names: c.527G>C, p.Gly176Ala (NM_022572.5); short protein forms G200A, G176A.
Identifiers: ClinVar variation 2825235 (VCV002825235.3), dbSNP rs866266448, ClinGen allele CA350540701.

ClinVar aggregate classification (germline): Uncertain significance (1 of 4 stars; one submission).

Conditions:
Paroxysmal nonkinesigenic dyskinesia. Also called: Paroxysmal non-kinesigenic dyskinesia. Identifiers: Orphanet 98810, MedGen C1869117, MONDO:0700088.

Allele frequency attached by ClinVar (database versions not stated): gnomAD exomes below 0.00001.
gnomAD v4.1: 1 of 1,581,644 alleles (0.000063%); highest among the groups gnomAD compares: South Asian, 0.0012%; no homozygotes.

Submission:

Labcorp Genetics (formerly Invitae), Labcorp
Classification: Uncertain significance for Paroxysmal nonkinesigenic dyskinesia. Last evaluated: 2023-01-27. Review status: criteria provided, single submitter. Criteria: Invitae Variant Classification Sherloc (09022015). Collection method: clinical testing. Allele origin: germline.
Comment: In summary, the available evidence is currently insufficient to determine the role of this variant in disease. Therefore, it has been classified as a Variant of Uncertain Significance. Advanced modeling of protein sequence and biophysical properties (such as structural, functional, and spatial information, amino acid conservation, physicochemical variation, residue mobility, and thermodynamic stability) performed at Invitae indicates that this missense variant is not expected to disrupt PNKD protein function. This variant has not been reported in the literature in individuals affected with PNKD-related conditions. This variant is not present in population databases (gnomAD no frequency). This sequence change replaces glycine, which is neutral and non-polar, with alanine, which is neutral and non-polar, at codon 200 of the PNKD protein (p.Gly200Ala).